The following is an entry in ClinVar:

ClinVar aggregate classification (germline): Likely benign. Review status: criteria provided, single submitter (1 of 4 stars). 2 submissions from 2 submitters: Likely benign (1). 1 of the submissions does not count toward it. Last evaluated 2025-02-12.

Conditions:
MAGI2-related disorder. Also called: MAGI2-related condition.

Allele frequency attached by ClinVar (database versions not stated): gnomAD 0.00001; gnomAD exomes 0.00001; ExAC 0.00002; TOPMed 0.00002; 1000 Genomes Project 0.00020; 1000 Genomes Project 30x 0.00031.
gnomAD v4.1: 12 of 1,614,150 alleles (0.00074%); highest among the groups gnomAD compares: Admixed American, 0.01%; no homozygotes.

Submissions (2):

Labcorp Genetics (formerly Invitae), Labcorp
Classification: Likely benign. Last evaluated: 2025-02-12. Review status: criteria provided, single submitter. Criteria: Invitae Variant Classification Sherloc (09022015). Collection method: clinical testing. Allele origin: germline.

PreventionGenetics, part of Exact Sciences
Classification: Likely benign for MAGI2-related condition. Last evaluated: 2022-08-26. Review status: no assertion criteria provided. Collection method: clinical testing. Allele origin: germline. Not counted in ClinVar's aggregate classification.
Comment: This variant is classified as likely benign based on ACMG/AMP sequence variant interpretation guidelines (Richards et al. 2015 PMID: 25741868, with internal and published modifications).

NM_012301.4(MAGI2):c.2187T>C (p.Pro729=)

Gene: MAGI2 (membrane associated guanylate kinase, WW and PDZ domain containing 2; minus strand). Cytogenetic location: 7q21.11.
Variant type: single nucleotide variant.
Coding change: c.2187T>C on transcript NM_012301.4 (MANE Select); coding-DNA position 2187, T replaced by C.
Protein change: p.Pro729=; no amino-acid change (proline 729 retained).
Molecular consequence: synonymous variant.
Genome position (GRCh38, 1-based): chr7:78,194,956, A>G on the plus strand (T>C on the coding strand, the complement: MAGI2 is on the minus strand). VCF-style: chr7-78194956-A-G. GRCh37 (hg19) VCF-style: chr7-77824273-A-G.
Other names: c.2187T>C, p.Pro729= (NM_001301128.2).
Identifiers: ClinVar variation 3029623 (VCV003029623.3), dbSNP rs201654746, ClinGen allele CA4313856.